The following is an entry in ClinVar:

ClinVar aggregate classification (germline): Pathogenic. Review status: reviewed by expert panel (3 of 4 stars). 3 submissions from 3 submitters: Pathogenic (1). 2 of the submissions do not count toward it. Last evaluated 2021-01-19.

Conditions:
ITGA2B-related disorder. Also called: ITGA2B-related condition; ITGA2B-related disorders.
Glanzmann thrombasthenia 1 (GT1). Also called: BLEEDING DISORDER, PLATELET-TYPE, 2; GP IIb-IIIa COMPLEX DEFICIENCY; GLYCOPROTEIN COMPLEX IIb-IIIa DEFICIENCY; PLATELET FIBRINOGEN RECEPTOR DEFICIENCY. Identifiers: MedGen CN300358, MONDO:0031332, OMIM 273800.
Glanzmann thrombasthenia. Also called: Thrombasthenia; PLATELET GLYCOPROTEIN IIb-IIIa DEFICIENCY; Glanzmann's thrombasthenia; THROMBASTHENIA OF GLANZMANN AND NAEGELI. Identifiers: Orphanet 849, MedGen C0040015, MONDO:0100326.

Submissions (3):

ClinGen Platelet Disorders Variant Curation Expert Panel, ClinGen
Classification: Pathogenic for Glanzmann thrombasthenia. Last evaluated: 2021-01-19. Review status: reviewed by expert panel. Criteria: ClinGen Platelet ACMG Specifications v2. Collection method: curation. Allele origin: germline. Inheritance: Autosomal recessive inheritance.
Comment: NM_000419.5(ITGA2B):c.1544+1G>A is a canonical splice donor variant on intron 15 of ITGA2B, that was demonstrated to result in a frameshift leading to a premature stop codon due to abnormal splicing occuring in a cryptic splice site located 8 bp upstream from the mutation (PMIDs: 7620188, 21487445). This variant has been reported several times in French Manouche families with a GT phenotype. It has been reported to occur in a homozygous state in at least 16 individuals (PMIDs: 25728920, 22250950). It is absent from large population cohorts including gnomAD. This variant satisfies GT specific criteria for PVS1, PM3, PP4_Strong and PM2_Supporting and is therefore classified as Pathogenic for GT.

PreventionGenetics, part of Exact Sciences
Classification: Pathogenic for ITGA2B-related condition. Last evaluated: 2026-01-14. Review status: criteria provided, single submitter. Criteria: ACMG Guidelines, 2015. Collection method: clinical testing. Allele origin: germline. Not counted in ClinVar's aggregate classification.
Comment: The ITGA2B c.1544+1G>A variant is predicted to disrupt the GT donor site and interfere with normal splicing. This variant is a known founder variant in the French Manouche population and is associated with autosomal recessive Glanzmann thrombasthenia (Schlegel et al. 1995. PubMed ID: 7620188; Fiore et al. 2011. PubMed ID: 21487445). This variant has not been reported in a large population database (gnomAD), indicating this variant is rare. Variants that disrupt the consensus splice donor site in ITGA2B are expected to be pathogenic. This variant is interpreted as pathogenic.

OMIM
Classification: Pathogenic for GLANZMANN THROMBASTHENIA 1. Last evaluated: 2011-09-01. Review status: no assertion criteria provided. Collection method: literature only. Allele origin: germline. Not counted in ClinVar's aggregate classification.

Literature cited by the submitters: PubMed 7620188 (cited by OMIM); PubMed 21487445 (cited by OMIM).

NM_000419.5(ITGA2B):c.1544+1G>A

Gene: ITGA2B (integrin subunit alpha 2b; minus strand). Cytogenetic location: 17q21.31.
Variant type: single nucleotide variant.
Coding change: c.1544+1G>A on transcript NM_000419.5 (MANE Select); the canonical splice donor site of the intron after coding-DNA position 1544, G replaced by A.
Molecular consequence: splice donor variant.
Genome position (GRCh38, 1-based): chr17:44,380,385, C>T on the plus strand (G>A on the coding strand, the complement: ITGA2B is on the minus strand). VCF-style: chr17-44380385-C-T. GRCh37 (hg19) VCF-style: chr17-42457753-C-T.
Other names: IVS15DS, G-A, +1.
Identifiers: ClinVar variation 2895 (VCV000002895.5), dbSNP rs879255509, ClinGen allele CA10575473.